The following is an entry in ClinVar:

NM_014679.5(CEP57):c.452G>A (p.Arg151Gln)

Gene: CEP57 (centrosomal protein 57; plus strand). Cytogenetic location: 11q21.
Variant type: single nucleotide variant.
Coding change: c.452G>A on transcript NM_014679.5 (MANE Select); coding-DNA position 452, G replaced by A.
Protein change: p.Arg151Gln; replaces arginine 151 with glutamine.
Molecular consequence: missense variant.
Genome position (GRCh38, 1-based): chr11:95,813,537, G>A. VCF-style: chr11-95813537-G-A. GRCh37 (hg19) VCF-style: chr11-95546701-G-A.
Other names: c.425G>A, p.Arg142Gln (NM_001243776.2); c.452G>A, p.Arg151Gln (NM_001243777.2); c.371G>A, p.Arg124Gln (NM_001363604.2); c.452G>A (NM_014679.4); short protein forms R151Q, R124Q, R142Q.
Identifiers: ClinVar variation 1352943 (VCV001352943.9), dbSNP rs774404375, ClinGen allele CA6239477.
Genomic context (GRCh38, chr11:95,813,537, plus strand): 5'-CTCAGTTGTTAGCTGCAGAAAATAAATGCAATCTATTAGAAAAACAATTGGAATACATGC[G>A]AAATATGATAAAGCATGCCGAAATGGAGAGGACATCTGTCTTAGAGAAACAAGTAAGTAA-3'
Protein context (NP_055494.2, residues 141-161): NLLEKQLEYM[Arg151Gln]NMIKHAEMER

ClinVar aggregate classification (germline): Uncertain significance. Review status: criteria provided, multiple submitters, no conflicts (2 of 4 stars). 2 submissions from 2 submitters: Uncertain significance (2). Last evaluated 2025-05-31.

Conditions:
Mosaic variegated aneuploidy syndrome 2 (MVA2). Identifiers: Orphanet 1052, MedGen C3279843, MONDO:0013582, OMIM 614114.
Inborn genetic diseases. Identifiers: MedGen C0950123, MeSH D030342.

Allele frequency attached by ClinVar (database versions not stated): gnomAD exomes 0.00001 and 0.00002; ExAC 0.00002.
gnomAD v4.1: 9 of 1,613,094 alleles (0.00056%); highest among the groups gnomAD compares: East Asian, 0.0022%; no homozygotes.

Submissions (2):

Ambry Genetics
Classification: Uncertain significance for Inborn genetic diseases. Last evaluated: 2025-05-31. Review status: criteria provided, single submitter. Criteria: Ambry Variant Classification Scheme 2023. Collection method: clinical testing. Allele origin: germline.
Comment: The p.R151Q variant (also known as c.452G>A), located in coding exon 4 of the CEP57 gene, results from a G to A substitution at nucleotide position 452. The arginine at codon 151 is replaced by glutamine, an amino acid with highly similar properties. This amino acid position is conserved. In addition, this alteration is predicted to be tolerated by in silico analysis. Based on the available evidence, the clinical significance of this variant remains unclear.

Labcorp Genetics (formerly Invitae), Labcorp
Classification: Uncertain significance for Mosaic variegated aneuploidy syndrome 2. Last evaluated: 2024-06-19. Review status: criteria provided, single submitter. Criteria: Invitae Variant Classification Sherloc (09022015). Collection method: clinical testing. Allele origin: germline.
Comment: This sequence change replaces arginine, which is basic and polar, with glutamine, which is neutral and polar, at codon 151 of the CEP57 protein (p.Arg151Gln). This variant is present in population databases (rs774404375, gnomAD 0.006%). This variant has not been reported in the literature in individuals affected with CEP57-related conditions. ClinVar contains an entry for this variant (Variation ID: 1352943). Advanced modeling of protein sequence and biophysical properties (such as structural, functional, and spatial information, amino acid conservation, physicochemical variation, residue mobility, and thermodynamic stability) performed at Invitae indicates that this missense variant is not expected to disrupt CEP57 protein function with a negative predictive value of 80%. In summary, the available evidence is currently insufficient to determine the role of this variant in disease. Therefore, it has been classified as a Variant of Uncertain Significance.